The following is an entry in ClinVar:

NM_002691.4(POLD1):c.2001G>A (p.Arg667=)

Gene: POLD1 (DNA polymerase delta 1, catalytic subunit; plus strand). Cytogenetic location: 19q13.33.
Variant type: single nucleotide variant.
Coding change: c.2001G>A on transcript NM_002691.4 (MANE Select); coding-DNA position 2001, G replaced by A.
Protein change: p.Arg667=; no amino-acid change (arginine 667 retained).
Molecular consequence: synonymous variant. On other transcripts: non-coding transcript variant (1).
Genome position (GRCh38, 1-based): chr19:50,409,230, G>A. VCF-style: chr19-50409230-G-A. GRCh37 (hg19) VCF-style: chr19-50912487-G-A.
Other names: c.2001G>A, p.Arg667= (NM_001256849.1); c.2079G>A, p.Arg693= (NM_001308632.1).
Identifiers: ClinVar variation 382179 (VCV000382179.13), dbSNP rs62113956, ClinGen allele CA16607916.

ClinVar aggregate classification (germline): Likely benign. Review status: criteria provided, multiple submitters, no conflicts (2 of 4 stars). 3 submissions from 3 submitters: Likely benign (3). Last evaluated 2024-08-27.

Conditions:
Hereditary cancer-predisposing syndrome. Also called: Neoplastic Syndromes, Hereditary; Hereditary neoplastic syndrome; Hereditary Cancer Syndrome; Tumor predisposition. Identifiers: Orphanet 140162, MedGen C0027672, MeSH D009386, MONDO:0015356.
POLD1-related polyposis and colorectal cancer syndrome (CRCS10). Also called: Colorectal cancer, susceptibility to, 10; Colorectal cancer 10; COLORECTAL CANCER, SUSCEPTIBILITY TO, ON CHROMOSOME 19q. Identifiers: Orphanet 220460, MedGen C2675481, MONDO:0012953, OMIM 612591.

Allele frequency attached by ClinVar (database versions not stated): gnomAD exomes 0.00001.
gnomAD v4.1: 13 of 1,601,042 alleles (0.00081%); highest among the groups gnomAD compares: Non-Finnish European, 0.0011%; no homozygotes.

Submissions (3):

Labcorp Genetics (formerly Invitae), Labcorp
Classification: Likely benign for POLD1-related polyposis and colorectal cancer syndrome. Last evaluated: 2024-08-27. Review status: criteria provided, single submitter. Criteria: Invitae Variant Classification Sherloc (09022015). Collection method: clinical testing. Allele origin: germline.

Ambry Genetics
Classification: Likely benign for Hereditary cancer-predisposing syndrome. Last evaluated: 2018-12-12. Review status: criteria provided, single submitter. Criteria: Ambry Variant Classification Scheme 2023. Collection method: clinical testing. Allele origin: germline.

GeneDx
Classification: Likely benign. Last evaluated: 2015-12-08. Review status: criteria provided, single submitter. Criteria: GeneDx Variant Classification (06012015). Collection method: clinical testing. Allele origin: germline. Affected: yes.
Comment: This variant is considered likely benign or benign based on one or more of the following criteria: it is a conservative change, it occurs at a poorly conserved position in the protein, it is predicted to be benign by multiple in silico algorithms, and/or has population frequency not consistent with disease.